The following is an entry in ClinVar:

ClinVar aggregate classification (germline): Likely benign (1 of 4 stars; one submission).

gnomAD v4.1: 1 of 1,580,778 alleles (0.000063%); highest among the groups gnomAD compares: Non-Finnish European, 0.000085%; no homozygotes.

Submission:

CeGaT Center for Human Genetics Tuebingen
Classification: Likely benign. Last evaluated: 2026-08-01. Review status: criteria provided, single submitter. Criteria: CeGaT Center For Human Genetics Tuebingen Variant Classification Criteria Version 2. Collection method: clinical testing. Allele origin: germline. Affected: yes. Observed: 2 variant alleles.
Comment: BTBD17: BP4, BP7

NM_001080466.2(BTBD17):c.639C>G (p.Leu213=)

Gene: BTBD17 (BTB domain containing 17; minus strand). Cytogenetic location: 17q25.1.
Variant type: single nucleotide variant.
Coding change: c.639C>G on transcript NM_001080466.2 (MANE Select); coding-DNA position 639, C replaced by G.
Protein change: p.Leu213=; no amino-acid change (leucine 213 retained).
Molecular consequence: synonymous variant.
Genome position (GRCh38, 1-based): chr17:74,357,455, G>C on the plus strand (C>G on the coding strand, the complement: BTBD17 is on the minus strand). VCF-style: chr17-74357455-G-C. GRCh37 (hg19) VCF-style: chr17-72353594-G-C.
Identifiers: ClinVar variation 4873350 (VCV004873350.2).